The following is an entry in ClinVar:

ClinVar aggregate classification (germline): Uncertain significance (1 of 4 stars; one submission).

Conditions:
Immunodeficiency 39 (IMD39). Identifiers: Orphanet 574918, MedGen C4225358, MONDO:0014597, OMIM 616345.

gnomAD v4.1: 1 of 1,544,382 alleles (0.000065%); highest among the groups gnomAD compares: Non-Finnish European, 0.000087%; no homozygotes.

Submission:

Labcorp Genetics (formerly Invitae), Labcorp
Classification: Uncertain significance for Immunodeficiency 39. Last evaluated: 2024-02-28. Review status: criteria provided, single submitter. Criteria: Invitae Variant Classification Sherloc (09022015). Collection method: clinical testing. Allele origin: germline.
Comment: This sequence change replaces arginine, which is basic and polar, with glycine, which is neutral and non-polar, at codon 144 of the IRF7 protein (p.Arg144Gly). This variant is not present in population databases (gnomAD no frequency). This variant has not been reported in the literature in individuals affected with IRF7-related conditions. Advanced modeling of protein sequence and biophysical properties (such as structural, functional, and spatial information, amino acid conservation, physicochemical variation, residue mobility, and thermodynamic stability) performed at Invitae indicates that this missense variant is not expected to disrupt IRF7 protein function with a negative predictive value of 80%. In summary, the available evidence is currently insufficient to determine the role of this variant in disease. Therefore, it has been classified as a Variant of Uncertain Significance.

NM_001572.5(IRF7):c.391C>G (p.Arg131Gly)

Gene: IRF7 (interferon regulatory factor 7; minus strand). Cytogenetic location: 11p15.5.
Variant type: single nucleotide variant.
Coding change: c.391C>G on transcript NM_001572.5 (MANE Select); coding-DNA position 391, C replaced by G.
Protein change: p.Arg131Gly; replaces arginine 131 with glycine.
Molecular consequence: missense variant.
Genome position (GRCh38, 1-based): chr11:614,800, G>C on the plus strand (C>G on the coding strand, the complement: IRF7 is on the minus strand). VCF-style: chr11-614800-G-C. GRCh37 (hg19) VCF-style: chr11-614800-G-C.
Other names: c.391C>G, p.Arg131Gly (NM_004029.4); c.430C>G, p.Arg144Gly (NM_004031.4); short protein forms R144G, R131G.
Identifiers: ClinVar variation 3643618 (VCV003643618.2).
Genomic context (GRCh38, chr11:614,800, plus strand): 5'-TTCCCCTTTGCCCAAGCAGGACGAATGCCAACGCCCTTGGCAGCCGGCGTCGCTCACCTC[G>C]CCAGCACAGCTCCCGGCTGAGCGCGTACACCTTGTGCGGGTCGGCCGGGTCCCCCGAGTT-3'
Protein context (NP_001563.2, residues 121-141): VYALSRELCW[Arg131Gly]EGPGTDQTEA